The following is an entry in ClinVar:

NM_018077.3(RBM28):c.1745G>A (p.Arg582Gln)

Gene: RBM28 (RNA binding motif protein 28; minus strand). Cytogenetic location: 7q32.1.
Variant type: single nucleotide variant.
Coding change: c.1745G>A on transcript NM_018077.3 (MANE Select); coding-DNA position 1745, G replaced by A.
Protein change: p.Arg582Gln; replaces arginine 582 with glutamine.
Molecular consequence: missense variant.
Genome position (GRCh38, 1-based): chr7:128,317,702, C>T on the plus strand (G>A on the coding strand, the complement: RBM28 is on the minus strand). VCF-style: chr7-128317702-C-T. GRCh37 (hg19) VCF-style: chr7-127957755-C-T.
Other names: p.Arg582Gln; c.1322G>A, p.Arg441Gln (NM_001166135.2); short protein forms R582Q, R441Q.
Identifiers: ClinVar variation 1028085 (VCV001028085.5), dbSNP rs201234922, ClinGen allele CA4469900.

ClinVar aggregate classification (germline): Uncertain significance. Review status: criteria provided, multiple submitters, no conflicts (2 of 4 stars). 3 submissions from 3 submitters: Uncertain significance (3). Last evaluated 2025-11-13.

Conditions:
ANE syndrome. Identifiers: Orphanet 157954, MedGen C2677535, MONDO:0012794, OMIM 612079.

Allele frequency attached by ClinVar (database versions not stated): gnomAD 0.00001 and 0.00002; ExAC 0.00002; gnomAD exomes 0.00002; TOPMed 0.00003; ESP Exome Variant Server 0.00008.
gnomAD v4.1: 31 of 1,608,854 alleles (0.0019%); highest among the groups gnomAD compares: East Asian, 0.038%; no homozygotes.

Submissions (3):

Undiagnosed Diseases Network, NIH
Classification: Uncertain significance for ANE syndrome. Last evaluated: 2025-11-13. Review status: criteria provided, single submitter. Criteria: ACMG Guidelines, 2015. Collection method: clinical testing. Allele origin: paternal. Inheritance: Autosomal recessive inheritance. Affected: yes. Observed: 1 variant allele, 1 heterozygote. Study: Undiagnosed Diseases Network (NIH), UDN.
Comment: This missense variant results in a change arginine to glutamine at amino acid position 582. It has not been previously reported in the literature. Itis observed at an allele frequency of 0.0019% in population controls of the Genome Aggregation Database (gnomAD). In silico missense prediction tools predict that this change does not impact protein function. In silico splicing predictors did not agree with regards to the impact of this variant on splicing. However, this has been reported in the literature to lead to in-frame exon skipping of exon 16 (PMID:38593811).

Ambry Genetics
Classification: Uncertain significance. Last evaluated: 2023-03-20. Review status: criteria provided, single submitter. Criteria: Ambry Variant Classification Scheme 2023. Collection method: clinical testing. Allele origin: germline.

Baylor Genetics
Classification: Uncertain significance for ANE syndrome. Last evaluated: 2019-09-23. Review status: criteria provided, single submitter. Criteria: ACMG Guidelines, 2015. Collection method: clinical testing. Allele origin: unknown. Affected: yes.
Comment: This variant was determined to be of uncertain significance according to ACMG Guidelines, 2015 [PMID:25741868].

Literature cited by the submitters: PubMed 38593811 (cited by Undiagnosed Diseases Network, NIH).